The following is an entry in ClinVar:

ClinVar aggregate classification (germline): Uncertain significance (1 of 4 stars; one submission).

gnomAD v4.1: 1 of 1,613,870 alleles (0.000062%); highest among the groups gnomAD compares: Non-Finnish European, 0.000085%; no homozygotes.

Submission:

Labcorp Genetics (formerly Invitae), Labcorp
Classification: Uncertain significance. Last evaluated: 2025-11-02. Review status: criteria provided, single submitter. Criteria: Invitae Variant Classification Sherloc (09022015). Collection method: clinical testing. Allele origin: germline.
Comment: This sequence change replaces leucine, which is neutral and non-polar, with valine, which is neutral and non-polar, at codon 162 of the SLC25A26 protein (p.Leu162Val). This variant is present in population databases (no rsID available, gnomAD 0.0009%). This variant has not been reported in the literature in individuals affected with SLC25A26-related conditions. An algorithm developed to predict the effect of missense changes on protein structure and function (PolyPhen-2) suggests that this variant is likely to be tolerated. In summary, the available evidence is currently insufficient to determine the role of this variant in disease. Therefore, it has been classified as a Variant of Uncertain Significance.

NM_001379210.1(SLC25A26):c.748C>G (p.Leu250Val)

Gene: SLC25A26 (solute carrier family 25 member 26; plus strand). Cytogenetic location: 3p14.1.
Variant type: single nucleotide variant.
Coding change: c.748C>G on transcript NM_001379210.1 (MANE Select); coding-DNA position 748, C replaced by G.
Protein change: p.Leu250Val; replaces leucine 250 with valine.
Molecular consequence: missense variant. On other transcripts: 3 prime UTR variant (2), non-coding transcript variant (15).
Genome position (GRCh38, 1-based): chr3:66,377,730, C>G. VCF-style: chr3-66377730-C-G. GRCh37 (hg19) VCF-style: chr3-66428154-C-G.
Other names: c.484C>G, p.Leu162Val (NM_001164796.1, NM_001350993.1, NM_001400711.1); c.*63C>G (NM_001400705.1, NM_001400709.1); c.703C>G, p.Leu235Val (NM_001400707.1); c.439C>G, p.Leu147Val (NM_001400714.1); c.748C>G, p.Leu250Val (NM_173471.4); short protein forms L250V, L147V, L235V, L162V.
Identifiers: ClinVar variation 4721617 (VCV004721617.1).
Genomic context (GRCh38, chr3:66,377,730, plus strand): 5'-AATCCTGTTTTTTCCCCTAGATTATTTGCAGGTGTCTTCCCTCGAATGGCAGCCATCAGT[C>G]TGGGAGGTTTCATCTTTCTGGGGGCTTATGACCGAACGCACAGCTTGCTGTTGGAAGTTG-3'
Protein context (NP_001366139.1, residues 240-260): GVFPRMAAIS[Leu250Val]GGFIFLGAYD